The following is an entry in ClinVar:

ClinVar aggregate classification (germline): Uncertain significance (1 of 4 stars; one submission).

gnomAD v4.1: 294 of 1,613,426 alleles (0.018%); highest among the groups gnomAD compares: Non-Finnish European, 0.022%; no homozygotes.

Submission:

CeGaT Center for Human Genetics Tuebingen
Classification: Uncertain significance. Last evaluated: 2024-09-01. Review status: criteria provided, single submitter. Criteria: CeGaT Center For Human Genetics Tuebingen Variant Classification Criteria Version 2. Collection method: clinical testing. Allele origin: germline. Affected: yes. Observed: 1 variant allele.
Comment: DNAH17: PM2:Supporting, BP4

NM_173628.4(DNAH17):c.3233G>A (p.Arg1078Gln)

Gene: DNAH17 (dynein axonemal heavy chain 17; minus strand). Cytogenetic location: 17q25.3.
Variant type: single nucleotide variant.
Coding change: c.3233G>A on transcript NM_173628.4 (MANE Select); coding-DNA position 3233, G replaced by A.
Protein change: p.Arg1078Gln; replaces arginine 1078 with glutamine.
Molecular consequence: missense variant.
Genome position (GRCh38, 1-based): chr17:78,530,394, C>T on the plus strand (G>A on the coding strand, the complement: DNAH17 is on the minus strand). VCF-style: chr17-78530394-C-T. GRCh37 (hg19) VCF-style: chr17-76526476-C-T.
Other names: short protein forms R1078Q.
Identifiers: ClinVar variation 3388660 (VCV003388660.14).
Genomic context (GRCh38, chr17:78,530,394, plus strand): 5'-GGGACCCACCTGTTGGTGACGTGGTTGCTCAGGTGCCGCTTGAACATGAAGCCCCAGCGC[C>T]GGATTGTGCTGAGCAGGGCCTGCTTGAAGGGGCGGCAGTCGCACTGCAGCCAGCCGTGGA-3'
Protein context (NP_775899.3, residues 1068-1088): PFKQALLSTI[Arg1078Gln]RWGFMFKRHL